The following is an entry in ClinVar:

ClinVar aggregate classification (germline): Uncertain significance. Review status: criteria provided, multiple submitters, no conflicts (2 of 4 stars). 6 submissions from 6 submitters: Uncertain significance (5). 1 of the submissions does not count toward it. Last evaluated 2025-04-07.

Conditions:
Juvenile polyposis syndrome (JPS). Identifiers: Orphanet 2929, MedGen C0345893, MONDO:0017380, OMIM 174900.
Hereditary cancer-predisposing syndrome. Also called: Neoplastic Syndromes, Hereditary; Tumor predisposition; Hereditary Cancer Syndrome; Hereditary neoplastic syndrome. Identifiers: Orphanet 140162, MedGen C0027672, MeSH D009386, MONDO:0015356.
Familial thoracic aortic aneurysm and aortic dissection (TAAD). Also called: Thoracic aortic aneurysms and dissections. Identifiers: Orphanet 91387, MedGen C4707243, MONDO:0019625.
Juvenile polyposis/hereditary hemorrhagic telangiectasia syndrome (JPHT). Also called: POLYPOSIS, GENERALIZED JUVENILE, WITH PULMONARY ARTERIOVENOUS MALFORMATION; TELANGIECTASIA, HEREDITARY HEMORRHAGIC, WITH JUVENILE POLYPOSIS COLI; JP/HHT SYNDROME; JUVENILE POLYPOSIS WITH HEREDITARY HEMORRHAGIC TELANGIECTASIA; Juvenile Polyposis Syndrome / Hereditary Hemorrhagic Telangiectasia (JPS/HHT). Identifiers: Orphanet 2929, MedGen C1832942, MONDO:0008278, OMIM 175050.

Submissions (6):

Ambry Genetics
Classification: Uncertain significance for Hereditary cancer-predisposing syndrome; Familial thoracic aortic aneurysm and aortic dissection. Last evaluated: 2025-04-07. Review status: criteria provided, single submitter. Criteria: Ambry Variant Classification Scheme 2023. Collection method: clinical testing. Allele origin: germline.
Comment: The p.T59A variant (also known as c.175A>G), located in coding exon 1 of the SMAD4 gene, results from an A to G substitution at nucleotide position 175. The threonine at codon 59 is replaced by alanine, an amino acid with similar properties. This amino acid position is well conserved in available vertebrate species. In addition, the in silico prediction for this alteration is inconclusive. Based on the available evidence, the clinical significance of this variant remains unclear.

Labcorp Genetics (formerly Invitae), Labcorp
Classification: Uncertain significance for Juvenile polyposis syndrome. Last evaluated: 2024-06-18. Review status: criteria provided, single submitter. Criteria: Invitae Variant Classification Sherloc (09022015). Collection method: clinical testing. Allele origin: germline.
Comment: This sequence change replaces threonine, which is neutral and polar, with alanine, which is neutral and non-polar, at codon 59 of the SMAD4 protein (p.Thr59Ala). This variant is not present in population databases (gnomAD no frequency). This variant has not been reported in the literature in individuals affected with SMAD4-related conditions. ClinVar contains an entry for this variant (Variation ID: 141740). Advanced modeling of protein sequence and biophysical properties (such as structural, functional, and spatial information, amino acid conservation, physicochemical variation, residue mobility, and thermodynamic stability) has been performed at Invitae for this missense variant, however the output from this modeling did not meet the statistical confidence thresholds required to predict the impact of this variant on SMAD4 protein function. In summary, the available evidence is currently insufficient to determine the role of this variant in disease. Therefore, it has been classified as a Variant of Uncertain Significance.

All of Us Research Program, National Institutes of Health
Classification: Uncertain significance for Juvenile polyposis/hereditary hemorrhagic telangiectasia syndrome. Last evaluated: 2023-07-10. Review status: criteria provided, single submitter. Criteria: ACMG Guidelines, 2015. Collection method: clinical testing. Allele origin: germline. Inheritance: Autosomal dominant inheritance. Observed: 1 variant allele, 1 heterozygote.
Comment: This missense variant replaces threonine with alanine at codon 59 of the SMAD4 protein. Computational prediction is inconclusive regarding the impact of this variant on protein structure and function (internally defined REVEL score threshold 0.5 < inconclusive < 0.7, PMID: 27666373). To our knowledge, functional studies have not been reported for this variant. This variant has not been reported in individuals affected with hereditary cancer in the literature. This variant has not been identified in the general population by the Genome Aggregation Database (gnomAD). The available evidence is insufficient to determine the role of this variant in disease conclusively. Therefore, this variant is classified as a Variant of Uncertain Significance.

This study involves interpretation of variants in research participants for the purpose of population health screening. Participant phenotype was not available at the time of variant classification. Additional details can be found in publication PMID: 35346344, PMCID: PMC8962531

Color Diagnostics, LLC DBA Color Health
Classification: Uncertain significance for Hereditary cancer-predisposing syndrome. Last evaluated: 2023-06-22. Review status: criteria provided, single submitter. Criteria: ACMG Guidelines, 2015. Collection method: clinical testing. Allele origin: germline.
Comment: This missense variant replaces threonine with alanine at codon 59 of the SMAD4 protein. Computational prediction suggests that this variant may not impact protein structure and function (internally defined REVEL score threshold <= 0.5, PMID: 27666373). To our knowledge, functional studies have not been reported for this variant. This variant has not been reported in individuals affected with SMAD4-related disorders in the literature. This variant has not been identified in the general population by the Genome Aggregation Database (gnomAD). The available evidence is insufficient to determine the role of this variant in disease conclusively. Therefore, this variant is classified as a Variant of Uncertain Significance.

Myriad Genetics, Inc.
Classification: Uncertain significance for Juvenile polyposis/hereditary hemorrhagic telangiectasia syndrome. Last evaluated: 2023-04-10. Review status: criteria provided, single submitter. Criteria: Myriad Autosomal Dominant, Autosomal Recessive and X-Linked Classification Criteria (2023). Collection method: clinical testing. Allele origin: unknown.
Comment: This variant is classified as a variant of uncertain significance as there is insufficient evidence to determine its impact on protein function and/or cancer risk.

Counsyl
Classification: Uncertain significance for Juvenile polyposis syndrome. Last evaluated: 2016-08-31. Review status: no assertion criteria provided. Collection method: clinical testing. Allele origin: unknown. Not counted in ClinVar's aggregate classification.

NM_005359.6(SMAD4):c.175A>G (p.Thr59Ala)

Gene: SMAD4 (SMAD family member 4; plus strand). Cytogenetic location: 18q21.2.
Variant type: single nucleotide variant.
Coding change: c.175A>G on transcript NM_005359.6 (MANE Select); coding-DNA position 175, A replaced by G.
Protein change: p.Thr59Ala; replaces threonine 59 with alanine.
Molecular consequence: missense variant.
Genome position (GRCh38, 1-based): chr18:51,047,221, A>G. VCF-style: chr18-51047221-A-G. GRCh37 (hg19) VCF-style: chr18-48573591-A-G.
Other names: short protein forms T59A.
Identifiers: ClinVar variation 141740 (VCV000141740.22), dbSNP rs587781977, ClinGen allele CA166278.
Genomic context (GRCh38, chr18:51,047,221, plus strand): 5'-GCAATTGAAAGTTTGGTAAAGAAGCTGAAGGAGAAAAAAGATGAATTGGATTCTTTAATA[A>G]CAGCTATAACTACAAATGGAGCTCATCCTAGTAAATGTGTTACCATACAGAGAACATTGG-3'
Protein context (NP_005350.1, residues 49-69): EKKDELDSLI[Thr59Ala]AITTNGAHPS